The following is an entry in ClinVar:

NM_014822.4(SEC24D):c.694G>A (p.Ala232Thr)

Gene: SEC24D (SEC24 homolog D, COPII coat complex component; minus strand). Cytogenetic location: 4q26.
Variant type: single nucleotide variant.
Coding change: c.694G>A on transcript NM_014822.4 (MANE Select); coding-DNA position 694, G replaced by A.
Protein change: p.Ala232Thr; replaces alanine 232 with threonine.
Molecular consequence: missense variant.
Genome position (GRCh38, 1-based): chr4:118,815,135, C>T on the plus strand (G>A on the coding strand, the complement: SEC24D is on the minus strand). VCF-style: chr4-118815135-C-T. GRCh37 (hg19) VCF-style: chr4-119736290-C-T.
Other names: c.697G>A, p.Ala233Thr (NM_001318066.2); short protein forms A232T, A233T.
Identifiers: ClinVar variation 1451012 (VCV001451012.4), dbSNP rs764920002, ClinGen allele CA3057472.

ClinVar aggregate classification (germline): Uncertain significance (1 of 4 stars; one submission).

Allele frequency attached by ClinVar (database versions not stated): TOPMed below 0.00001; gnomAD 0.00001; gnomAD exomes 0.00001 and 0.00002; ExAC 0.00002.
gnomAD v4.1: 9 of 1,613,954 alleles (0.00056%); highest among the groups gnomAD compares: Non-Finnish European, 0.00076%; no homozygotes.

Submission:

Labcorp Genetics (formerly Invitae), Labcorp
Classification: Uncertain significance. Last evaluated: 2022-08-16. Review status: criteria provided, single submitter. Criteria: Invitae Variant Classification Sherloc (09022015). Collection method: clinical testing. Allele origin: germline.
Comment: In summary, the available evidence is currently insufficient to determine the role of this variant in disease. Therefore, it has been classified as a Variant of Uncertain Significance. Algorithms developed to predict the effect of missense changes on protein structure and function are either unavailable or do not agree on the potential impact of this missense change (SIFT: "Not Available"; PolyPhen-2: "Benign"; Align-GVGD: "Not Available"). ClinVar contains an entry for this variant (Variation ID: 1451012). This variant has not been reported in the literature in individuals affected with SEC24D-related conditions. This variant is present in population databases (rs764920002, gnomAD 0.004%). This sequence change replaces alanine with threonine at codon 232 of the SEC24D protein (p.Ala232Thr). The alanine residue is weakly conserved and there is a small physicochemical difference between alanine and threonine.